The following is an entry in ClinVar:

ClinVar aggregate classification (germline): Benign/Likely benign. Review status: criteria provided, multiple submitters, no conflicts (2 of 4 stars). 5 submissions from 5 submitters: Benign (4); Likely benign (1). Last evaluated 2026-01-08.

Submissions (5):

Women's Health and Genetics/Laboratory Corporation of America, LabCorp
Classification: Benign. Last evaluated: 2026-01-08. Review status: criteria provided, single submitter. Criteria: LabCorp Variant Classification Summary - May 2015. Collection method: clinical testing. Allele origin: germline.
Comment: Variant summary: MYO15A c.4038+56_4038+61dupGTGTGT is located at a position not widely known to affect splicing. Consensus agreement among computation tools predict no significant impact on normal splicing. However, these predictions have yet to be confirmed by functional studies. The variant allele was found at a frequency of 0.13 in 14780 control chromosomes in the gnomAD database, including 274 homozygotes. The observed variant frequency exceeds the estimated maximal expected allele frequency for disease-causing variants in MYO15A. To our knowledge, no occurrence of c.4038+56_4038+61dupGTGTGT in individuals affected with MYO15A-related conditions and no experimental evidence demonstrating its impact on protein function have been reported. ClinVar contains an entry for this variant (Variation ID: 322139). Based on the evidence outlined above, the variant was classified as benign.

Labcorp Genetics (formerly Invitae), Labcorp
Classification: Benign. Last evaluated: 2026-01-04. Review status: criteria provided, single submitter. Criteria: Invitae Variant Classification Sherloc (09022015). Collection method: clinical testing. Allele origin: germline.

Laboratory of Genetics, Children's Clinical University Hospital Latvia
Classification: Likely benign. Last evaluated: 2025-02-16. Review status: criteria provided, single submitter. Criteria: ACMG Guidelines, 2015. Collection method: clinical testing. Allele origin: germline. Affected: yes.

Mayo Clinic Laboratories, Mayo Clinic
Classification: Benign. Last evaluated: 2022-11-10. Review status: criteria provided, single submitter. Criteria: ACMG Guidelines, 2015. Collection method: clinical testing. Allele origin: germline. Observed: 9 variant alleles.

GeneDx
Classification: Benign. Last evaluated: 2019-08-08. Review status: criteria provided, single submitter. Criteria: GeneDx Variant Classification Process June 2021. Collection method: clinical testing. Allele origin: germline. Affected: yes.

NM_016239.4(MYO15A):c.4038+8GT[30]

Gene: MYO15A (myosin XVA; plus strand). Cytogenetic location: 17p11.2.
Variant type: Microsatellite.
Coding change: c.4038+8GT[30] on transcript NM_016239.4 (MANE Select); 30 copies in a row of the 2-base unit GT starting at c.4038+8; the reference has 27 copies in a row; three copies, 6 bases duplicated.
Molecular consequence: intron variant.
Genome position (GRCh38, 1-based): chr17:18,130,866-18,130,871, GTGTGT duplicated; duplicating any 6 consecutive bases within chr17:18,130,818-18,130,871 gives the same sequence; the position shown is the placement nearest the transcript's 3' end. VCF-style (leftmost placement, unchanged base first): chr17-18130817-A-AGTGTGT. GRCh37 (hg19) VCF-style: chr17-18034131-A-AGTGTGT.
Other names: p.?; c.4038+56_4038+61dup (NM_016239.4); c.4038+56_4038+61dupGTGTGT (NM_016239.4).
Identifiers: ClinVar variation 322139 (VCV000322139.17), dbSNP rs59214589, ClinGen allele CA10639087.